The following is an entry in ClinVar:

NM_001854.4(COL11A1):c.194_197del (p.Lys65fs)

Gene: COL11A1 (collagen type XI alpha 1 chain; minus strand). Cytogenetic location: 1p21.1.
Variant type: Microsatellite.
Coding change: c.194_197del on transcript NM_001854.4 (MANE Select); coding-DNA positions 194 to 197, 4 bases deleted (AGAA; older notation c.194_197delAGAA).
Protein change: p.Lys65fs; shifts the reading frame from lysine 65.
Molecular consequence: frameshift variant. On other transcripts: non-coding transcript variant (1).
Genome position (GRCh38, 1-based): chr1:103,082,882-103,082,885, TTCT deleted on the plus strand (AGAA on the coding strand, the reverse complement: COL11A1 is on the minus strand); deleting any 4 consecutive bases within chr1:103,082,882-103,082,889 gives the same sequence; the c. name uses the placement nearest the transcript's 3' end. VCF-style (leftmost placement, unchanged base first): chr1-103082881-ATTCT-A. GRCh37 (hg19) VCF-style: chr1-103548437-ATTCT-A.
Other names: c.194_197del (NM_001854.3); c.194_197delAGAA (NM_001854.3); c.194_197del, p.Lys65fs (NM_001190709.2, NM_080629.3, NM_080630.4); short protein forms K65fs.
Identifiers: ClinVar variation 1200750 (VCV001200750.6), dbSNP rs2102324115, ClinGen allele CA2574450424.
Genomic context (GRCh38, chr1:103,082,881, plus strand): 5'-TGTTGGGGCACTGAGTTGTGCTTGCTTTGAAACTCTGTAAGCAGTATCTGAGCCTTTAGA[ATTCT>A]TTCTGTTTGTGCAAAATCCCGTTGTTTTTGATATTCCCTCTGGAGAATTGTGAAAATCTA-3'

ClinVar aggregate classification (germline): Likely pathogenic. Review status: criteria provided, multiple submitters, no conflicts (2 of 4 stars). 2 submissions from 2 submitters: Likely pathogenic (2). Last evaluated 2026-09-10.

Conditions:
COL11A1-related disorder. Also called: COL11A1-related condition; COL11A1-related disorders.

Submissions (2):

GeneDx
Classification: Likely pathogenic. Last evaluated: 2026-09-10. Review status: criteria provided, single submitter. Criteria: GeneDx Variant Classification Process June 2021. Collection method: clinical testing. Allele origin: germline.
Comment: Frameshift variant predicted to result in protein truncation or nonsense mediated decay in a gene for which loss of function is a known mechanism of disease; Not observed at significant frequency in large population cohorts (gnomAD); Has not been previously published as pathogenic or benign to our knowledge

Blueprint Genetics
Classification: Likely pathogenic for COL11A1-related disorders. Last evaluated: 2018-12-21. Review status: criteria provided, single submitter. Criteria: ACMG Guidelines, 2015. Collection method: clinical testing. Allele origin: germline. Affected: yes. Observed: 1 variant allele.